The following is an entry in ClinVar:

NM_053013.4(ENO3):c.1178T>G (p.Ile393Ser)

Gene: ENO3 (enolase 3; plus strand). Cytogenetic location: 17p13.2.
Variant type: single nucleotide variant.
Coding change: c.1178T>G on transcript NM_053013.4 (MANE Select); coding-DNA position 1178, T replaced by G.
Protein change: p.Ile393Ser; replaces isoleucine 393 with serine.
Molecular consequence: missense variant.
Genome position (GRCh38, 1-based): chr17:4,956,832, T>G. VCF-style: chr17-4956832-T-G. GRCh37 (hg19) VCF-style: chr17-4860127-T-G.
Other names: c.1049T>G, p.Ile350Ser (NM_001193503.2); c.1178T>G, p.Ile393Ser (NM_001374523.1, NM_001976.5); c.1205T>G, p.Ile402Ser (NM_001374524.1); short protein forms I350S, I393S, I402S.
Identifiers: ClinVar variation 2073186 (VCV002073186.1), dbSNP rs2507721907, ClinGen allele CA397295593.

ClinVar aggregate classification (germline): Uncertain significance (1 of 4 stars; one submission).

Conditions:
Glycogen storage disease due to muscle beta-enolase deficiency (GSD13). Also called: ENOLASE 3 DEFICIENCY; ENOLASE-BETA DEFICIENCY; GSD XIII; Glycogen Storage Disease Type XIII. Identifiers: Orphanet 99849, MedGen C2752027, MONDO:0013046, OMIM 612932.

Allele frequency attached by ClinVar (database versions not stated): gnomAD exomes below 0.00001.

Submission:

Labcorp Genetics (formerly Invitae), Labcorp
Classification: Uncertain significance for Glycogen storage disease due to muscle beta-enolase deficiency. Last evaluated: 2022-07-06. Review status: criteria provided, single submitter. Criteria: Invitae Variant Classification Sherloc (09022015). Collection method: clinical testing. Allele origin: germline.
Comment: This sequence change replaces isoleucine, which is neutral and non-polar, with serine, which is neutral and polar, at codon 393 of the ENO3 protein (p.Ile393Ser). This variant is not present in population databases (gnomAD no frequency). This variant has not been reported in the literature in individuals affected with ENO3-related conditions. Algorithms developed to predict the effect of missense changes on protein structure and function are either unavailable or do not agree on the potential impact of this missense change (SIFT: "Deleterious"; PolyPhen-2: "Possibly Damaging"; Align-GVGD: "Class C0"). In summary, the available evidence is currently insufficient to determine the role of this variant in disease. Therefore, it has been classified as a Variant of Uncertain Significance.